The following is an entry in ClinVar:

ClinVar aggregate classification (germline): Uncertain significance (1 of 4 stars; one submission).

gnomAD v4.1: 4 of 1,614,074 alleles (0.00025%); highest among the groups gnomAD compares: East Asian, 0.0022%; no homozygotes.

Submission:

Labcorp Genetics (formerly Invitae), Labcorp
Classification: Uncertain significance. Last evaluated: 2025-06-27. Review status: criteria provided, single submitter. Criteria: Invitae Variant Classification Sherloc (09022015). Collection method: clinical testing. Allele origin: germline.
Comment: This sequence change replaces isoleucine, which is neutral and non-polar, with valine, which is neutral and non-polar, at codon 1791 of the ARID1B protein (p.Ile1791Val). This variant is present in population databases (no rsID available, gnomAD 0.0009%). This variant has not been reported in the literature in individuals affected with ARID1B-related conditions. Invitae Evidence Modeling of protein sequence and biophysical properties (such as structural, functional, and spatial information, amino acid conservation, physicochemical variation, residue mobility, and thermodynamic stability) indicates that this missense variant is not expected to disrupt ARID1B protein function with a negative predictive value of 80%. In summary, the available evidence is currently insufficient to determine the role of this variant in disease. Therefore, it has been classified as a Variant of Uncertain Significance.

NM_001374828.1(ARID1B):c.5740A>G (p.Ile1914Val)

Gene: ARID1B (AT-rich interaction domain 1B; plus strand). Cytogenetic location: 6q25.3.
Variant type: single nucleotide variant.
Coding change: c.5740A>G on transcript NM_001374828.1 (MANE Select); coding-DNA position 5740, A replaced by G.
Protein change: p.Ile1914Val; replaces isoleucine 1914 with valine.
Molecular consequence: missense variant.
Genome position (GRCh38, 1-based): chr6:157,206,512, A>G. VCF-style: chr6-157206512-A-G. GRCh37 (hg19) VCF-style: chr6-157527646-A-G.
Other names: c.3241A>G, p.Ile1081Val (NM_001363725.2); c.5620A>G, p.Ile1874Val (NM_001371656.1, NM_001374820.1); c.5869A>G, p.Ile1957Val (NM_001438482.1); c.5782A>G, p.Ile1928Val (NM_001438483.1); c.5650A>G, p.Ile1884Val (NM_001438485.1); c.5623A>G, p.Ile1875Val (NM_001438486.1); c.5560A>G, p.Ile1854Val (NM_001438487.1); c.3082A>G, p.Ile1028Val (NM_001438488.1); and 1 more; short protein forms I1028V, I1854V, I1875V, I1081V, I1861V, I1874V, I1928V, I1884V.
Identifiers: ClinVar variation 4739947 (VCV004739947.1).